The following is an entry in ClinVar:

NM_006306.4(SMC1A):c.3131-17_3131-16inv

Gene: SMC1A (structural maintenance of chromosomes 1A; minus strand). Cytogenetic location: Xp11.22.
Variant type: Inversion.
Coding change: c.3131-17_3131-16inv on transcript NM_006306.4 (MANE Select).
Molecular consequence: intron variant.
Genome position: GRCh38 VCF-style: chrX-53382676-AC-GT. GRCh37 (hg19) VCF-style: chrX-53409597-AC-GT.
Other names: c.3065-17_3065-16inv (NM_001281463.1).
Identifiers: ClinVar variation 3691168 (VCV003691168.2).
Genomic context (GRCh38, chrX:53,382,676, plus strand): 5'-ATGCCTGCTTGGCCTTCTTTGCTCGCTTTCGGGCTGCTTCAAACTCTGCCAGAAAGAAAG[AC>GT]AGGAGACCCCTCAGTGCCCTGGCAAGAAGGACCTGCAAATGACAATCCAGAGCAGGAACA-3'

ClinVar aggregate classification (germline): Uncertain significance (1 of 4 stars; one submission).

Conditions:
Congenital muscular hypertrophy-cerebral syndrome (CDLS2). Also called: Cornelia de Lange syndrome 2; SMC1A-Related Cornelia de Lange Syndrome. Identifiers: Orphanet 199, MedGen C1802395, MONDO:0010370, OMIM 300590.

Submission:

Labcorp Genetics (formerly Invitae), Labcorp
Classification: Uncertain significance for Congenital muscular hypertrophy-cerebral syndrome. Last evaluated: 2024-04-24. Review status: criteria provided, single submitter. Criteria: Invitae Variant Classification Sherloc (09022015). Collection method: clinical testing. Allele origin: germline.
Comment: This sequence change falls in intron 20 of the SMC1A gene. It does not directly change the encoded amino acid sequence of the SMC1A protein. Information on the frequency of this variant in the gnomAD database is not available, as this variant may be reported differently in the database. This variant has not been reported in the literature in individuals affected with SMC1A-related conditions. Experimental studies and prediction algorithms are not available or were not evaluated, and the effect of this variant on mRNA splicing is currently unknown. In summary, the available evidence is currently insufficient to determine the role of this variant in disease. Therefore, it has been classified as a Variant of Uncertain Significance.